The following is an entry in ClinVar:

ClinVar aggregate classification (germline): Uncertain significance (1 of 4 stars; one submission).

Submission:

Women's Health and Genetics/Laboratory Corporation of America, LabCorp
Classification: Uncertain significance. Last evaluated: 2026-03-18. Review status: criteria provided, single submitter. Criteria: LabCorp Variant Classification Summary - May 2015. Collection method: clinical testing. Allele origin: germline.
Comment: Variant summary: TET3 c.1462_1467delCCCAAG (p.Pro488_Lys489del) results in an in-frame deletion that is predicted to remove two amino acids from the encoded protein. The variant allele was found at a frequency of 1.9e-06 in 1606856 control chromosomes (gnomAD). The available data on variant occurrences in the general population are insufficient to allow any conclusion about variant significance. To our knowledge, no occurrence of c.1462_1467delCCCAAG in individuals affected with TET3-related conditions and no experimental evidence demonstrating its impact on protein function have been reported. No submitters have cited clinical-significance assessments for this variant to ClinVar. Based on the evidence outlined above, the variant was classified as uncertain significance.

NM_001287491.2(TET3):c.1462_1467del (p.Pro488_Lys489del)

Gene: TET3 (tet methylcytosine dioxygenase 3; plus strand). Cytogenetic location: 2p13.1.
Variant type: Deletion.
Coding change: c.1462_1467del on transcript NM_001287491.2 (MANE Select); coding-DNA positions 1462 to 1467, 6 bases deleted (CCCAAG; older notation c.1462_1467delCCCAAG).
Protein change: p.Pro488_Lys489del.
Genome position (GRCh38, 1-based): chr2:74,047,379-74,047,384, CCCAAG deleted; deleting any 6 consecutive bases within chr2:74,047,374-74,047,384 gives the same sequence; the c. name uses the placement nearest the transcript's 3' end. VCF-style (leftmost placement, unchanged base first): chr2-74047373-ACCAAGC-A. GRCh37 (hg19) VCF-style: chr2-74274500-ACCAAGC-A.
Other names: c.1183_1188del, p.Pro395_Lys396del (NM_001366022.1); c.1462_1467delCCCAAG (NM_001287491.2).
Identifiers: ClinVar variation 4847091 (VCV004847091.1).